The following is an entry in ClinVar:

ClinVar aggregate classification (germline): Uncertain significance (1 of 4 stars; one submission).

Submission:

Women's Health and Genetics/Laboratory Corporation of America, LabCorp
Classification: Uncertain significance. Last evaluated: 2024-11-12. Review status: criteria provided, single submitter. Criteria: LabCorp Variant Classification Summary - May 2015. Collection method: clinical testing. Allele origin: germline.
Comment: Variant summary: BRCA1 c.2965T>C (p.Phe989Leu) results in a non-conservative amino acid change in the encoded protein sequence. Four of five in-silico tools predict a benign effect of the variant on protein function. The variant was absent in 250604 control chromosomes. The available data on variant occurrences in the general population are insufficient to allow any conclusion about variant significance. A variant, described as F989L, has been reported in the literature in an individual affected with breast cancer (Carney_2010). This report does not provide unequivocal conclusions about association of the variant with Hereditary Breast And Ovarian Cancer Syndrome. To our knowledge, no experimental evidence demonstrating an impact on protein function has been reported. No submitters have cited clinical-significance assessments for this variant to ClinVar. Based on the evidence outlined above, the variant was classified as uncertain significance.

Literature cited by the submitters: PubMed 21218378.

NM_007294.4(BRCA1):c.2965T>C (p.Phe989Leu)

Gene: BRCA1 (BRCA1 DNA repair associated; minus strand). Cytogenetic location: 17q21.31.
Variant type: single nucleotide variant.
Coding change: c.2965T>C on transcript NM_007294.4 (MANE Select); coding-DNA position 2965, T replaced by C.
Protein change: p.Phe989Leu; replaces phenylalanine 989 with leucine.
Molecular consequence: missense variant. On other transcripts: intron variant (137).
Genome position (GRCh38, 1-based): chr17:43,092,566, A>G on the plus strand (T>C on the coding strand, the complement: BRCA1 is on the minus strand). VCF-style: chr17-43092566-A-G. GRCh37 (hg19) VCF-style: chr17-41244583-A-G.
Other names: c.2701T>C, p.Phe901Leu (NM_001407935.1, NM_001407920.1, NM_001407921.1 and 9 more transcripts); c.2698T>C, p.Phe900Leu (NM_001407936.1, NM_001407930.1, NM_001407931.1 and 2 more transcripts); c.2842T>C, p.Phe948Leu (NM_001407937.1, NM_001407938.1, NM_001407939.1 and 19 more transcripts); c.2839T>C, p.Phe947Leu (NM_001407940.1, NM_001407941.1, NM_001407649.1 and 11 more transcripts); c.2824T>C, p.Phe942Leu (NM_001407942.1, NM_001407944.1, NM_001407945.1 and 29 more transcripts); c.2821T>C, p.Phe941Leu (NM_001407943.1, NM_001407964.1, NM_001407740.1 and 20 more transcripts); c.2632T>C, p.Phe878Leu (NM_001407946.1, NM_001407947.1, NM_001407948.1 and 6 more transcripts); c.2629T>C, p.Phe877Leu (NM_001407954.1, NM_001407955.1, NM_001407956.1 and 1 more transcripts); and 41 more; short protein forms F693L, F821L, F861L, F862L, F877L, F878L, F900L, F901L.
Identifiers: ClinVar variation 3629694 (VCV003629694.1).
Genomic context (GRCh38, chr17:43,092,566, plus strand): 5'-ACATTGAATGTTCCTCAAAGTTTTCCTCTAGCAGATTTTTCTTACATTTAGTTTTAACAA[A>G]TGACTTGATGGGAAAAAGTGGTGGTATACGATATGGGTTTTGTAAAAGTCCATGTTTATT-3'
Protein context (NP_009225.1, residues 979-999): RIPPLFPIKS[Phe989Leu]VKTKCKKNLL